The following is an entry in ClinVar:

NM_014314.4(RIGI):c.751G>A (p.Ala251Thr)

Gene: RIGI (RNA sensor RIG-I; minus strand). Cytogenetic location: 9p21.1.
Variant type: single nucleotide variant.
Coding change: c.751G>A on transcript NM_014314.4 (MANE Select); coding-DNA position 751, G replaced by A.
Protein change: p.Ala251Thr; replaces alanine 251 with threonine.
Molecular consequence: missense variant.
Genome position (GRCh38, 1-based): chr9:32,489,392, C>T on the plus strand (G>A on the coding strand, the complement: RIGI is on the minus strand). VCF-style: chr9-32489392-C-T. GRCh37 (hg19) VCF-style: chr9-32489390-C-T.
Other names: c.751G>A, p.Ala251Thr (NM_001385907.1, NM_001385909.1); c.310G>A, p.Ala104Thr (NM_001385910.1); c.142G>A, p.Ala48Thr (NM_001385912.1); c.736G>A, p.Ala246Thr (NM_001385913.1); c.307G>A, p.Ala103Thr (NM_001385914.1); short protein forms A48T, A246T, A103T, A104T, A251T.
Identifiers: ClinVar variation 2148405 (VCV002148405.4), dbSNP rs750742821, ClinGen allele CA5019995.

ClinVar aggregate classification (germline): Uncertain significance (1 of 4 stars; one submission).

Allele frequency attached by ClinVar (database versions not stated): ExAC 0.00001; gnomAD 0.00001; gnomAD exomes 0.00001; TOPMed 0.00002.
gnomAD v4.1: 4 of 1,613,352 alleles (0.00025%); highest among the groups gnomAD compares: Admixed American, 0.0017%; no homozygotes.

Submission:

Labcorp Genetics (formerly Invitae), Labcorp
Classification: Uncertain significance. Last evaluated: 2024-01-22. Review status: criteria provided, single submitter. Criteria: Invitae Variant Classification Sherloc (09022015). Collection method: clinical testing. Allele origin: germline.
Comment: This sequence change replaces alanine, which is neutral and non-polar, with threonine, which is neutral and polar, at codon 251 of the DDX58 protein (p.Ala251Thr). This variant is present in population databases (rs750742821, gnomAD 0.003%). This variant has not been reported in the literature in individuals affected with DDX58-related conditions. ClinVar contains an entry for this variant (Variation ID: 2148405). Advanced modeling of protein sequence and biophysical properties (such as structural, functional, and spatial information, amino acid conservation, physicochemical variation, residue mobility, and thermodynamic stability) performed at Invitae indicates that this missense variant is not expected to disrupt DDX58 protein function with a negative predictive value of 80%. In summary, the available evidence is currently insufficient to determine the role of this variant in disease. Therefore, it has been classified as a Variant of Uncertain Significance.